The following is an entry in ClinVar:

ClinVar aggregate classification (germline): Uncertain significance. Review status: criteria provided, multiple submitters, no conflicts (2 of 4 stars). 2 submissions from 2 submitters: Uncertain significance (2). Last evaluated 2023-02-16.

Conditions:
Hereditary nonpolyposis colorectal neoplasms. Identifiers: MedGen C0009405, MeSH D003123.
Hereditary cancer-predisposing syndrome. Also called: Hereditary Cancer Syndrome; Hereditary neoplastic syndrome; Neoplastic Syndromes, Hereditary; Tumor predisposition. Identifiers: Orphanet 140162, MedGen C0027672, MeSH D009386, MONDO:0015356.

Submissions (2):

Color Diagnostics, LLC DBA Color Health
Classification: Uncertain significance for Hereditary cancer-predisposing syndrome. Last evaluated: 2023-02-16. Review status: criteria provided, single submitter. Criteria: ACMG Guidelines, 2015. Collection method: clinical testing. Allele origin: germline.
Comment: This missense variant replaces leucine with valine at codon 822 of the PMS2 protein. To our knowledge, functional studies have not been reported for this variant. A different nucleotide substitution, c.2464C>G, resulting in the protein change p.Leu822Val has been reported in an individual with colorectal cancer from a Lynch syndrome family (PMID: 31992580). This variant has not been identified in the general population by the Genome Aggregation Database (gnomAD). The available evidence is insufficient to determine the role of this variant in disease conclusively. Therefore, this variant is classified as a Variant of Uncertain Significance.

Labcorp Genetics (formerly Invitae), Labcorp
Classification: Uncertain significance for Hereditary nonpolyposis colorectal neoplasms. Last evaluated: 2022-07-03. Review status: criteria provided, single submitter. Criteria: Invitae Variant Classification Sherloc (09022015). Collection method: clinical testing. Allele origin: germline.
Comment: In summary, the available evidence is currently insufficient to determine the role of this variant in disease. Therefore, it has been classified as a Variant of Uncertain Significance. Algorithms developed to predict the effect of missense changes on protein structure and function are either unavailable or do not agree on the potential impact of this missense change (SIFT: "Not Available"; PolyPhen-2: "Probably Damaging"; Align-GVGD: "Not Available"). This missense change has been observed in individual(s) with Lynch syndrome (PMID: 31992580). The frequency data for this variant in the population databases (gnomAD) is considered unreliable due to the presence of homologous sequence, such as pseudogenes or paralogs, in the genome. This sequence change replaces leucine, which is neutral and non-polar, with valine, which is neutral and non-polar, at codon 822 of the PMS2 protein (p.Leu822Val).

Literature cited by the submitters: PubMed 31992580 (cited by Color Diagnostics, LLC DBA Color Health and Labcorp Genetics (formerly Invitae), Labcorp).

NM_000535.7(PMS2):c.2464_2466delinsGTC (p.Leu822Val)

Gene: PMS2 (PMS1 homolog 2, mismatch repair system component; minus strand). Cytogenetic location: 7p22.1.
Variant type: Indel.
Coding change: c.2464_2466delinsGTC on transcript NM_000535.7 (MANE Select); coding-DNA positions 2464 to 2466, CTT replaced by GTC.
Protein change: p.Leu822Val; replaces leucine 822 with valine.
Molecular consequence: missense variant. On other transcripts: non-coding transcript variant (1).
Genome position (GRCh38, 1-based): chr7:5,973,522-5,973,524, AAG replaced by GAC on the plus strand (CTT replaced by GTC on the coding strand, the reverse complement: PMS2 is on the minus strand). VCF-style: chr7-5973522-AAG-GAC. GRCh37 (hg19) VCF-style: chr7-6013153-AAG-GAC.
Other names: c.2059_2061delCTTinsGTC, p.Leu687Val (NM_001018040.1, NM_001406889.1, NM_001406890.1 and 9 more transcripts); c.2059_2061delinsGTC, p.Leu687Val (NM_001322003.2, NM_001322004.2, NM_001322005.2); c.2308_2310delinsGTC, p.Leu770Val (NM_001322006.2); c.2146_2148delinsGTC, p.Leu716Val (NM_001322007.2, NM_001322008.2); c.2092_2094delinsGTC, p.Leu698Val (NM_001322009.2); c.1903_1905delinsGTC, p.Leu635Val (NM_001322010.2); c.1531_1533delinsGTC, p.Leu511Val (NM_001322011.2, NM_001322012.2); c.1891_1893delinsGTC, p.Leu631Val (NM_001322013.2); and 26 more; short protein forms L421V, L511V, L660V, L719V, L727V, L730V, L766V, L770V.
Identifiers: ClinVar variation 1920878 (VCV001920878.7), dbSNP rs2535200291, ClinGen allele CA2580076772.